The following is an entry in ClinVar:

NM_014633.5(CTR9):c.254G>A (p.Cys85Tyr)

Gene: CTR9 (CTR9 homolog, Paf1/RNA polymerase II complex component; plus strand). Cytogenetic location: 11p15.4.
Variant type: single nucleotide variant.
Coding change: c.254G>A on transcript NM_014633.5 (MANE Select); coding-DNA position 254, G replaced by A.
Protein change: p.Cys85Tyr; replaces cysteine 85 with tyrosine.
Molecular consequence: missense variant.
Genome position (GRCh38, 1-based): chr11:10,755,067, G>A. VCF-style: chr11-10755067-G-A. GRCh37 (hg19) VCF-style: chr11-10776614-G-A.
Other names: c.254G>A, p.Cys85Tyr (NM_001346279.2); short protein forms C85Y.
Identifiers: ClinVar variation 1173022 (VCV001173022.2), dbSNP rs2135356050, ClinGen allele CA379659216.

ClinVar aggregate classification (germline): Likely pathogenic (1 of 4 stars; one submission).

Conditions:
CTR9-related neurodevelopmental disorder. Identifiers: MedGen CN378764, MONDO:1040006.

Allele frequency attached by ClinVar (database versions not stated): gnomAD exomes below 0.00001.
gnomAD v4.1: 1 of 1,614,104 alleles (0.000062%); highest among the groups gnomAD compares: East Asian, 0.0022%; no homozygotes.

Submission:

Centre of Medical Genetics, University of Antwerp
Classification: Likely pathogenic for CTR9-related neurodevelopmental disorder. Last evaluated: 2021-04-01. Review status: criteria provided, single submitter. Criteria: ACMG Guidelines, 2015. Collection method: research. Allele origin: de novo. Affected: yes.
Comment: PS2, PM2, PP3